The following is an entry in ClinVar:

ClinVar aggregate classification (germline): Pathogenic (1 of 4 stars; one submission).

Conditions:
Majeed syndrome (MJDS). Also called: CHRONIC RECURRENT MULTIFOCAL OSTEOMYELITIS 1, WITH CONGENITAL DYSERYTHROPOIETIC ANEMIA, WITH OR WITHOUT NEUTROPHILIC DERMATOSIS; LPIN2-Related Majeed Syndrome. Identifiers: Orphanet 77297, MedGen C1864997, MONDO:0012316, OMIM 609628.

Allele frequency attached by ClinVar (database versions not stated): gnomAD exomes 0.00001.
gnomAD v4.1: 3 of 1,613,994 alleles (0.00019%); highest among the groups gnomAD compares: Non-Finnish European, 0.00017%; no homozygotes.

Submission:

Labcorp Genetics (formerly Invitae), Labcorp
Classification: Pathogenic for Majeed syndrome. Last evaluated: 2025-02-17. Review status: criteria provided, single submitter. Criteria: Invitae Variant Classification Sherloc (09022015). Collection method: clinical testing. Allele origin: germline.
Comment: This sequence change creates a premature translational stop signal (p.Arg562*) in the LPIN2 gene. It is expected to result in an absent or disrupted protein product. Loss-of-function variants in LPIN2 are known to be pathogenic (PMID: 15994876, 23087183). This variant is not present in population databases (gnomAD no frequency). This premature translational stop signal has been observed in individual(s) with clinical features of Majeed syndrome (PMID: 28600779). ClinVar contains an entry for this variant (Variation ID: 2138125). For these reasons, this variant has been classified as Pathogenic.

Literature cited by the submitters: PubMed 15994876; PubMed 23087183; PubMed 28600779.

NM_001375808.2(LPIN2):c.1684C>T (p.Arg562Ter)

Gene: LPIN2 (lipin 2; minus strand). Cytogenetic location: 18p11.31.
Variant type: single nucleotide variant.
Coding change: c.1684C>T on transcript NM_001375808.2 (MANE Select); coding-DNA position 1684, C replaced by T.
Protein change: p.Arg562Ter; replaces arginine 562 with a stop codon.
Molecular consequence: nonsense.
Genome position (GRCh38, 1-based): chr18:2,927,748, G>A on the plus strand (C>T on the coding strand, the complement: LPIN2 is on the minus strand). VCF-style: chr18-2927748-G-A. GRCh37 (hg19) VCF-style: chr18-2927746-G-A.
Other names: c.1684C>T, p.Arg562Ter (NM_001375809.1, NM_014646.2); short protein forms R562*.
Identifiers: ClinVar variation 2138125 (VCV002138125.4), dbSNP rs2510249341, ClinGen allele CA401703574.